The following is an entry in ClinVar:

ClinVar aggregate classification (germline): Likely benign (0 of 4 stars; one submission).

Conditions:
CARS1-related disorder. Also called: CARS1-related condition.

gnomAD v4.1: 53 of 1,613,682 alleles (0.0033%); highest among the groups gnomAD compares: African/African-American, 0.045%; no homozygotes.

Submission:

PreventionGenetics, part of Exact Sciences
Classification: Likely benign for CARS1-related condition. Last evaluated: 2024-07-23. Review status: no assertion criteria provided. Collection method: clinical testing. Allele origin: germline.
Comment: This variant is classified as likely benign based on ACMG/AMP sequence variant interpretation guidelines (Richards et al. 2015 PMID: 25741868, with internal and published modifications).

NM_001014437.3(CARS1):c.1410C>T (p.Asn470=)

Gene: CARS1 (cysteinyl-tRNA synthetase 1; minus strand). Cytogenetic location: 11p15.4.
Variant type: single nucleotide variant.
Coding change: c.1410C>T on transcript NM_001014437.3 (MANE Select); coding-DNA position 1410, C replaced by T.
Protein change: p.Asn470=; no amino-acid change (asparagine 470 retained).
Molecular consequence: synonymous variant. On other transcripts: non-coding transcript variant (4).
Genome position (GRCh38, 1-based): chr11:3,018,735, G>A on the plus strand (C>T on the coding strand, the complement: CARS1 is on the minus strand). VCF-style: chr11-3018735-G-A. GRCh37 (hg19) VCF-style: chr11-3039965-G-A.
Other names: c.1410C>T, p.Asn470= (NM_001194997.2); c.1200C>T, p.Asn400= (NM_001378136.1); c.1131C>T, p.Asn377= (NM_001378137.1, NM_001378138.1, NM_001378139.1); c.885C>T, p.Asn295= (NM_001378140.1); c.1161C>T, p.Asn387= (NM_001751.6, NM_139273.4).
Identifiers: ClinVar variation 3351183 (VCV003351183.1).
Genomic context (GRCh38, chr11:3,018,735, plus strand): 5'-CATTTTGCAGCCTGCAATGGTCAGGTGGCCTGTGTGCAGGAAGTACCTGACCCAGCAGTC[G>A]TTTTCAAAGTAGGCCTGCGTGGAAAGAGACAAAGGATGTCAACAGTCATGTGTTACTGGG-3'
Protein context (NP_001014437.1, residues 460-480): ELAQSEAYFE[Asn470=]DCWVRYFLHT